The following is an entry in ClinVar:

ClinVar aggregate classification (germline): Conflicting classifications of pathogenicity. Review status: criteria provided, conflicting classifications (1 of 4 stars). 3 submissions from 3 submitters: Pathogenic (2); Uncertain significance (1). Last evaluated 2026-02-18.

Conditions:
Inborn genetic diseases. Identifiers: MedGen C0950123, MeSH D030342.
Parkinson disease, late-onset (PD). Also called: PARKINSON DISEASE, LATE-ONSET, SUSCEPTIBILITY TO; Susceptibility to Parkinson's Disease; Hereditary late onset Parkinson disease. Identifiers: Orphanet 411602, MedGen C3160718, MONDO:0008199, OMIM 168600.

Submissions (3):

GeneDx
Classification: Pathogenic. Last evaluated: 2026-02-18. Review status: criteria provided, single submitter. Criteria: GeneDx Variant Classification Process June 2021. Collection method: clinical testing. Allele origin: germline.
Comment: Frameshift variant predicted to result in protein truncation or nonsense mediated decay in a gene for which loss-of-function is a known mechanism of disease; Not observed at significant frequency in large population cohorts (gnomAD); This variant is associated with the following publications: (PMID: 31922365)

Ambry Genetics
Classification: Pathogenic for Inborn genetic diseases. Last evaluated: 2026-01-08. Review status: criteria provided, single submitter. Criteria: Ambry Variant Classification Scheme 2023. Collection method: clinical testing. Allele origin: germline.
Comment: The c.881dupA (p.N294Kfs*10) alteration, located in exon 4 (coding exon 2) of the NR4A2 gene, consists of a duplication of A at position 881, causing a translational frameshift with a predicted alternate stop codon after 10 amino acids. This alteration is expected to result in loss of function by premature protein truncation or nonsense-mediated mRNA decay. This variant was not reported in population-based cohorts in the Genome Aggregation Database (gnomAD). This variant was reported in individual(s) with features consistent with NR4A2-related neurodevelopmental disorder (Wirth, 2020). Based on the available evidence, this alteration is classified as pathogenic.

Centre for Mendelian Genomics, University Medical Centre Ljubljana
Classification: Uncertain significance for Parkinson disease, late-onset. Last evaluated: 2019-11-04. Review status: criteria provided, single submitter. Criteria: ACMG Guidelines, 2015. Collection method: clinical testing. Allele origin: unknown. Affected: yes.
Comment: This variant was classified as: Uncertain significance. The available evidence favors the pathogenic nature of this variant, however the currently available data is insufficient to conclusively support its pathogenic nature. Thus this variant is classified as Uncertain significance - favor pathogenic. The following ACMG criteria were applied in classifying this variant: PM2.

Literature cited by the submitters: PubMed 31922365 (cited by Ambry Genetics).

NM_006186.4(NR4A2):c.881dup (p.Asn294fs)

Gene: NR4A2 (nuclear receptor subfamily 4 group A member 2; minus strand). Cytogenetic location: 2q24.1.
Variant type: Duplication.
Coding change: c.881dup on transcript NM_006186.4 (MANE Select); coding-DNA position 881, one base duplicated (A; older notation c.881dupA).
Protein change: p.Asn294fs; shifts the reading frame from asparagine 294.
Molecular consequence: frameshift variant.
Genome position (GRCh38, 1-based): chr2:156,328,517, T duplicated on the plus strand (A on the coding strand, the reverse complement: NR4A2 is on the minus strand); the first of 7 consecutive T bases (chr2:156,328,517-156,328,523); duplicating any one gives the same sequence. VCF-style (leftmost placement, unchanged base first): chr2-156328516-A-AT. GRCh37 (hg19) VCF-style: chr2-157185028-A-AT.
Other names: c.881dupA (NM_006186.3); c.881dup (NM_006186.3); c.692dup, p.Asn231fs (NM_173173.3); short protein forms N231fs, N294fs.
Identifiers: ClinVar variation 930579 (VCV000930579.5), dbSNP rs1686760554, ClinGen allele CA1139657262.